The following is an entry in ClinVar:

ClinVar aggregate classification (germline): Uncertain significance (1 of 4 stars; one submission).

Conditions:
Hereditary cancer-predisposing syndrome. Also called: Neoplastic Syndromes, Hereditary; Tumor predisposition; Hereditary neoplastic syndrome; Hereditary Cancer Syndrome. Identifiers: Orphanet 140162, MedGen C0027672, MeSH D009386, MONDO:0015356.

Submission:

Ambry Genetics
Classification: Uncertain significance for Hereditary cancer-predisposing syndrome. Last evaluated: 2026-07-06. Review status: criteria provided, single submitter. Criteria: Ambry Variant Classification Scheme 2023. Collection method: clinical testing. Allele origin: germline.
Comment: The p.G306E variant (also known as c.917G>A), located in coding exon 4 of the MSH6 gene, results from a G to A substitution at nucleotide position 917. The glycine at codon 306 is replaced by glutamic acid, an amino acid with similar properties. This amino acid position is conserved. In addition, this alteration is predicted to be tolerated by in silico analysis. Based on the available evidence, the clinical significance of this variant remains unclear.

NM_000179.3(MSH6):c.917G>A (p.Gly306Glu)

Gene: MSH6 (mutS homolog 6; plus strand). Cytogenetic location: 2p16.3.
Variant type: single nucleotide variant.
Coding change: c.917G>A on transcript NM_000179.3 (MANE Select); coding-DNA position 917, G replaced by A.
Protein change: p.Gly306Glu; replaces glycine 306 with glutamic acid.
Molecular consequence: missense variant. On other transcripts: non-coding transcript variant (4), intron variant (1).
Genome position (GRCh38, 1-based): chr2:47,798,900, G>A. VCF-style: chr2-47798900-G-A. GRCh37 (hg19) VCF-style: chr2-48026039-G-A.
Other names: c.11G>A, p.Gly4Glu (NM_001406812.1, NM_001406814.1, NM_001406815.1 and 6 more transcripts); c.923G>A, p.Gly308Glu (NM_001406813.1); c.917G>A, p.Gly306Glu (NM_001406817.1, NM_001406796.1, NM_001406798.1 and 4 more transcripts); c.620G>A, p.Gly207Glu (NM_001406818.1, NM_001406819.1, NM_001406820.1 and 10 more transcripts); c.749G>A, p.Gly250Glu (NM_001406826.1); c.527G>A, p.Gly176Glu (NM_001281492.2); c.1013G>A, p.Gly338Glu (NM_001406795.1, NM_001406802.1); c.392G>A, p.Gly131Glu (NM_001406799.1, NM_001406806.1, NM_001406807.1); and 2 more; short protein forms G131E, G250E, G306E, G176E, G280E, G207E, G308E, G338E.
Identifiers: ClinVar variation 5024892 (VCV005024892.1).